The following is an entry in ClinVar:

ClinVar aggregate classification (germline): Likely benign. Review status: criteria provided, single submitter (1 of 4 stars). 2 submissions from 2 submitters: Likely benign (1). 1 of the submissions does not count toward it. Last evaluated 2025-11-17.

Conditions:
CENPJ-related disorder. Also called: CENPJ-related disorders; CENPJ-related condition.

Submissions (2):

Labcorp Genetics (formerly Invitae), Labcorp
Classification: Likely benign. Last evaluated: 2025-11-17. Review status: criteria provided, single submitter. Criteria: Invitae Variant Classification Sherloc (09022015). Collection method: clinical testing. Allele origin: germline.

PreventionGenetics, part of Exact Sciences
Classification: Likely benign for CENPJ-related condition. Last evaluated: 2022-04-15. Review status: no assertion criteria provided. Collection method: clinical testing. Allele origin: germline. Not counted in ClinVar's aggregate classification.
Comment: This variant is classified as likely benign based on ACMG/AMP sequence variant interpretation guidelines (Richards et al. 2015 PMID: 25741868, with internal and published modifications).

NM_018451.5(CPAP):c.2992-18_2992-14del

Gene: CPAP (centrosome assembly and centriole elongation protein; minus strand). Cytogenetic location: 13q12.12.
Variant type: Deletion.
Coding change: c.2992-18_2992-14del on transcript NM_018451.5 (MANE Select); 18 bases into the intron before coding-DNA position 2992 through 14 bases into the intron before coding-DNA position 2992, 5 bases deleted (GTTTT; older notation c.2992-18_2992-14delGTTTT).
Molecular consequence: intron variant.
Genome position (GRCh38, 1-based): chr13:24,892,881-24,892,885, AAAAC deleted on the plus strand (GTTTT on the coding strand, the reverse complement: CPAP is on the minus strand); deleting any 5 consecutive bases within chr13:24,892,881-24,892,889 gives the same sequence; the c. name uses the placement nearest the transcript's 3' end. VCF-style (leftmost placement, unchanged base first): chr13-24892880-AAAAAC-A. GRCh37 (hg19) VCF-style: chr13-25467018-AAAAAC-A.
Other names: c.2992-18_2992-14del5 (NM_018451.4).
Identifiers: ClinVar variation 1975150 (VCV001975150.7), dbSNP rs780296252, ClinGen allele CA6919442.
Genomic context (GRCh38, chr13:24,892,880, plus strand): 5'-CTTTCTTTTCAAATCTTCCCGTAAATCTGCTATTTGCTGTTTTAAAGTCTCTCAAAAAAA[AAAAAC>A]AAAAAGAAAAAACCATTACTACATTACCAGAATTAAAACAATAGAAGAATAGAGACCCAG-3'